The following is an entry in ClinVar:

NM_000059.4(BRCA2):c.4039G>A (p.Val1347Ile)

Gene: BRCA2 (BRCA2 DNA repair associated; plus strand). Cytogenetic location: 13q13.1.
Variant type: single nucleotide variant.
Coding change: c.4039G>A on transcript NM_000059.4 (MANE Select); coding-DNA position 4039, G replaced by A.
Protein change: p.Val1347Ile; replaces valine 1347 with isoleucine.
Molecular consequence: missense variant.
Genome position (GRCh38, 1-based): chr13:32,338,394, G>A. VCF-style: chr13-32338394-G-A. GRCh37 (hg19) VCF-style: chr13-32912531-G-A.
Other names: short protein forms V1347I.
Identifiers: ClinVar variation 409548 (VCV000409548.14), dbSNP rs80358653, ClinGen allele CA16614299.

ClinVar aggregate classification (germline): Conflicting classifications of pathogenicity. Review status: criteria provided, conflicting classifications (1 of 4 stars). 4 submissions from 4 submitters: Uncertain significance (2); Likely benign (2). Last evaluated 2025-03-01.

Conditions:
Hereditary breast ovarian cancer syndrome. Also called: Hereditary breast and ovarian cancer syndrome; Hereditary breast and/or ovarian cancer syndrome; BRCA1- and BRCA2-Associated Hereditary Breast and Ovarian Cancer; Hereditary breast and ovarian cancer syndrome (HBOC); Hereditary breast and ovarian cancer; Breast and ovarian cancer. Identifiers: Orphanet 145, MedGen C0677776, MeSH D061325, MONDO:0003582. Disease mechanism: loss of function.
Breast-ovarian cancer, familial, susceptibility to, 2 (BROVCA2). Also called: BRCA2 Hereditary Breast and Ovarian Cancer. Identifiers: Orphanet 145, MedGen C2675520, MONDO:0012933, OMIM 612555. Disease mechanism: loss of function.
Hereditary cancer-predisposing syndrome. Also called: Hereditary neoplastic syndrome; Neoplastic Syndromes, Hereditary; Tumor predisposition; Hereditary Cancer Syndrome. Identifiers: Orphanet 140162, MedGen C0027672, MeSH D009386, MONDO:0015356.

Submissions (4):

Ambry Genetics
Classification: Likely benign for Hereditary cancer-predisposing syndrome. Last evaluated: 2025-03-01. Review status: criteria provided, single submitter. Criteria: Ambry Variant Classification Scheme 2023. Collection method: clinical testing. Allele origin: germline.

Labcorp Genetics (formerly Invitae), Labcorp
Classification: Uncertain significance for Hereditary breast ovarian cancer syndrome. Last evaluated: 2024-08-05. Review status: criteria provided, single submitter. Criteria: Invitae Variant Classification Sherloc (09022015). Collection method: clinical testing. Allele origin: germline.
Comment: This sequence change replaces valine, which is neutral and non-polar, with isoleucine, which is neutral and non-polar, at codon 1347 of the BRCA2 protein (p.Val1347Ile). This variant is not present in population databases (gnomAD no frequency). This variant has not been reported in the literature in individuals affected with BRCA2-related conditions. ClinVar contains an entry for this variant (Variation ID: 409548). Advanced modeling of protein sequence and biophysical properties (such as structural, functional, and spatial information, amino acid conservation, physicochemical variation, residue mobility, and thermodynamic stability) performed at Invitae indicates that this missense variant is not expected to disrupt BRCA2 protein function with a negative predictive value of 95%. In summary, the available evidence is currently insufficient to determine the role of this variant in disease. Therefore, it has been classified as a Variant of Uncertain Significance.

All of Us Research Program, National Institutes of Health
Classification: Uncertain significance for Breast-ovarian cancer, familial, susceptibility to, 2. Last evaluated: 2024-02-05. Review status: criteria provided, single submitter. Criteria: ACMG Guidelines, 2015. Collection method: clinical testing. Allele origin: germline. Inheritance: Autosomal dominant inheritance. Observed: 1 variant allele, 1 heterozygote.
Comment: This missense variant replaces valine with isoleucine at codon 1347 of the BRCA2 protein. Computational prediction suggests that this variant may not impact protein structure and function. To our knowledge, functional studies have not been reported for this variant. This variant has not been reported in individuals affected with BRCA2-related disorders in the literature. This variant has not been identified in the general population by the Genome Aggregation Database (gnomAD). The available evidence is insufficient to determine the role of this variant in disease conclusively. Therefore, this variant is classified as a Variant of Uncertain Significance.

This study involves interpretation of variants in research participants for the purpose of population health screening. Participant phenotype was not available at the time of variant classification. Additional details can be found in publication PMID: 35346344, PMCID: PMC8962531

University of Washington Department of Laboratory Medicine, University of Washington
Classification: Likely benign for Hereditary cancer-predisposing syndrome. Last evaluated: 2023-03-23. Review status: criteria provided, single submitter. Criteria: Dines et al. (Genet Med. 2020). Collection method: curation. Allele origin: germline.
Comment: Missense variant in a coldspot region where missense variants are very unlikely to be pathogenic (PMID:31911673).

BRCA2 exon 11 coldspot. Reclassification based on statistical prior probability.